The following is an entry in ClinVar:

NM_130811.4(SNAP25):c.576T>G (p.Ile192Met)

Gene: SNAP25 (synaptosome associated protein 25; plus strand). Cytogenetic location: 20p12.2.
Variant type: single nucleotide variant.
Coding change: c.576T>G on transcript NM_130811.4 (MANE Select); coding-DNA position 576, T replaced by G.
Protein change: p.Ile192Met; replaces isoleucine 192 with methionine.
Molecular consequence: missense variant.
Genome position (GRCh38, 1-based): chr20:10,306,152, T>G. VCF-style: chr20-10306152-T-G. GRCh37 (hg19) VCF-style: chr20-10286800-T-G.
Other names: c.576T>G, p.Ile192Met (NM_001322902.2, NM_001322903.2, NM_001322904.2 and 9 more transcripts); short protein forms I192M.
Identifiers: ClinVar variation 5008514 (VCV005008514.1).

ClinVar aggregate classification (germline): Uncertain significance (1 of 4 stars; one submission).

Submission:

GeneDx
Classification: Uncertain significance. Last evaluated: 2026-03-17. Review status: criteria provided, single submitter. Criteria: GeneDx Variant Classification Process June 2021. Collection method: clinical testing. Allele origin: germline.
Comment: Not observed at significant frequency in large population cohorts (gnomAD); In silico analysis suggests that this missense variant does not alter protein structure/function; Has not been previously published as pathogenic or benign to our knowledge